The following is an entry in ClinVar:

ClinVar aggregate classification (germline): Likely benign (1 of 4 stars; one submission).

Allele frequency attached by ClinVar (database versions not stated): 1000 Genomes Project 30x 0.00141; 1000 Genomes Project 0.00160; TOPMed 0.00279; gnomAD 0.00325; ExAC 0.00400; ESP Exome Variant Server 0.00400; gnomAD exomes 0.00444.
gnomAD v4.1: 6,974 of 1,614,158 alleles (0.43%); highest among the groups gnomAD compares: Non-Finnish European, 0.46%; 28 homozygotes.

Submission:

CeGaT Center for Human Genetics Tuebingen
Classification: Likely benign. Last evaluated: 2026-09-01. Review status: criteria provided, single submitter. Criteria: CeGaT Center For Human Genetics Tuebingen Variant Classification Criteria Version 2. Collection method: clinical testing. Allele origin: germline. Affected: yes. Observed: 15 variant alleles.
Comment: ZBTB11: BP4, BS2

NM_014415.4(ZBTB11):c.1049C>A (p.Thr350Asn)

Gene: ZBTB11 (zinc finger and BTB domain containing 11; minus strand). Cytogenetic location: 3q12.3.
Variant type: single nucleotide variant.
Coding change: c.1049C>A on transcript NM_014415.4 (MANE Select); coding-DNA position 1049, C replaced by A.
Protein change: p.Thr350Asn; replaces threonine 350 with asparagine.
Molecular consequence: missense variant.
Genome position (GRCh38, 1-based): chr3:101,665,538, G>T on the plus strand (C>A on the coding strand, the complement: ZBTB11 is on the minus strand). VCF-style: chr3-101665538-G-T. GRCh37 (hg19) VCF-style: chr3-101384382-G-T.
Other names: short protein forms T350N.
Identifiers: ClinVar variation 2654014 (VCV002654014.24), dbSNP rs33957144, ClinGen allele CA2521260.
Genomic context (GRCh38, chr3:101,665,538, plus strand): 5'-TCTCCATTTACCAGTAGTACAATTTCACAATCCCCAAGTTCAGTAGGTAAACTTGTTGTG[G>T]TTCCCTCACTGCTAGCAACAGGAGGTGCTGTACCTCCATTCTGTACTCGTAAGTCCTGGG-3'
Protein context (NP_055230.2, residues 340-360): TAPPVASSEG[Thr350Asn]TTSLPTELGD